The following is an entry in ClinVar:

NM_004415.4(DSP):c.2608A>T (p.Ile870Leu)

Gene: DSP (desmoplakin; plus strand). Cytogenetic location: 6p24.3.
Variant type: single nucleotide variant.
Coding change: c.2608A>T on transcript NM_004415.4 (MANE Select); coding-DNA position 2608, A replaced by T.
Protein change: p.Ile870Leu; replaces isoleucine 870 with leucine.
Molecular consequence: missense variant.
Genome position (GRCh38, 1-based): chr6:7,575,466, A>T. VCF-style: chr6-7575466-A-T. GRCh37 (hg19) VCF-style: chr6-7575699-A-T.
Other names: c.2608A>T (LRG_423t1); c.2608A>T, p.Ile870Leu (NM_001008844.3, NM_001319034.2); short protein forms I870L.
Identifiers: ClinVar variation 573577 (VCV000573577.11), dbSNP rs1561693971, ClinGen allele CA362681715.

ClinVar aggregate classification (germline): Uncertain significance. Review status: criteria provided, multiple submitters, no conflicts (2 of 4 stars). 2 submissions from 2 submitters: Uncertain significance (2). Last evaluated 2024-07-16.

Conditions:
Arrhythmogenic cardiomyopathy with wooly hair and keratoderma. Also called: PALMOPLANTAR KERATODERMA WITH LEFT VENTRICULAR CARDIOMYOPATHY AND WOOLLY HAIR; Arrhythmogenic cardiomyopathy with woolly hair and keratoderma; Carvajal syndrome; Dilated cardiomyopathy with woolly hair and keratoderma. Identifiers: Orphanet 65282, MedGen C1854063, MONDO:0011581, OMIM 605676.
Arrhythmogenic right ventricular dysplasia 8 (ARVD8). Also called: Arrhythmogenic Right Ventricular Dysplasia/Cardiomyopathy 8; ARRHYTHMOGENIC RIGHT VENTRICULAR DYSPLASIA, FAMILIAL, 8; ARRHYTHMOGENIC RIGHT VENTRICULAR CARDIOMYOPATHY 8. Identifiers: MedGen C1843896, MONDO:0011831, OMIM 607450.
Cardiovascular phenotype. Identifiers: MedGen CN230736.

Submissions (2):

Labcorp Genetics (formerly Invitae), Labcorp
Classification: Uncertain significance for Arrhythmogenic cardiomyopathy with wooly hair and keratoderma; Arrhythmogenic right ventricular dysplasia 8. Last evaluated: 2024-07-16. Review status: criteria provided, single submitter. Criteria: Invitae Variant Classification Sherloc (09022015). Collection method: clinical testing. Allele origin: germline.
Comment: This sequence change replaces isoleucine, which is neutral and non-polar, with leucine, which is neutral and non-polar, at codon 870 of the DSP protein (p.Ile870Leu). This variant is not present in population databases (gnomAD no frequency). This missense change has been observed in individual(s) with clinical features of DSP-related conditions (Invitae). ClinVar contains an entry for this variant (Variation ID: 573577). An algorithm developed to predict the effect of missense changes on protein structure and function (PolyPhen-2) suggests that this variant is likely to be tolerated. Algorithms developed to predict the effect of sequence changes on RNA splicing suggest that this variant may create or strengthen a splice site. In summary, the available evidence is currently insufficient to determine the role of this variant in disease. Therefore, it has been classified as a Variant of Uncertain Significance.

Ambry Genetics
Classification: Uncertain significance for Cardiovascular phenotype. Last evaluated: 2023-05-17. Review status: criteria provided, single submitter. Criteria: Ambry Variant Classification Scheme 2023. Collection method: clinical testing. Allele origin: germline.
Comment: The p.I870L variant (also known as c.2608A>T), located in coding exon 18 of the DSP gene, results from an A to T substitution at nucleotide position 2608. The isoleucine at codon 870 is replaced by leucine, an amino acid with highly similar properties. This amino acid position is well conserved in available vertebrate species. In addition, this alteration is predicted to be tolerated by in silico analysis. Since supporting evidence is limited at this time, the clinical significance of this alteration remains unclear.